The following is an entry in ClinVar:

NM_003632.3(CNTNAP1):c.1205G>A (p.Arg402His)

Gene: CNTNAP1 (contactin associated protein 1; plus strand). Cytogenetic location: 17q21.2.
Variant type: single nucleotide variant.
Coding change: c.1205G>A on transcript NM_003632.3 (MANE Select); coding-DNA position 1205, G replaced by A.
Protein change: p.Arg402His; replaces arginine 402 with histidine.
Molecular consequence: missense variant.
Genome position (GRCh38, 1-based): chr17:42,687,880, G>A. VCF-style: chr17-42687880-G-A. GRCh37 (hg19) VCF-style: chr17-40839898-G-A.
Other names: short protein forms R402H.
Identifiers: ClinVar variation 3902906 (VCV003902906.1).

ClinVar aggregate classification (germline): Uncertain significance (1 of 4 stars; one submission).

Submission:

GeneDx
Classification: Uncertain significance. Last evaluated: 2024-12-11. Review status: criteria provided, single submitter. Criteria: GeneDx Variant Classification Process June 2021. Collection method: clinical testing. Allele origin: germline. Affected: yes.
Comment: Not observed at significant frequency in large population cohorts (gnomAD); In silico analysis indicates that this missense variant does not alter protein structure/function; Has not been previously published as pathogenic or benign to our knowledge